The following is an entry in ClinVar:

ClinVar aggregate classification (germline): Uncertain significance. Review status: criteria provided, multiple submitters, no conflicts (2 of 4 stars). 2 submissions from 2 submitters: Uncertain significance (2). Last evaluated 2024-01-15.

Conditions:
Aortic valve disease 2 (AOVD2). Identifiers: MedGen C3542024, MONDO:0013902, OMIM 614823.

Allele frequency attached by ClinVar (database versions not stated): gnomAD exomes below 0.00001.
gnomAD v4.1: 1 of 1,474,158 alleles (0.000068%); highest among the groups gnomAD compares: East Asian, 0.0029%; no homozygotes.

Submissions (2):

Labcorp Genetics (formerly Invitae), Labcorp
Classification: Uncertain significance for Aortic valve disease 2. Last evaluated: 2024-01-15. Review status: criteria provided, single submitter. Criteria: Invitae Variant Classification Sherloc (09022015). Collection method: clinical testing. Allele origin: germline.
Comment: This sequence change falls in intron 1 of the SMAD6 gene. It does not directly change the encoded amino acid sequence of the SMAD6 protein. It affects a nucleotide within the consensus splice site. This variant is not present in population databases (gnomAD no frequency). This variant has not been reported in the literature in individuals affected with SMAD6-related conditions. ClinVar contains an entry for this variant (Variation ID: 2574399). Variants that disrupt the consensus splice site are a relatively common cause of aberrant splicing (PMID: 17576681, 9536098). Algorithms developed to predict the effect of sequence changes on RNA splicing suggest that this variant may disrupt the consensus splice site. In summary, the available evidence is currently insufficient to determine the role of this variant in disease. Therefore, it has been classified as a Variant of Uncertain Significance.

GeneDx
Classification: Uncertain significance. Last evaluated: 2023-07-26. Review status: criteria provided, single submitter. Criteria: GeneDx Variant Classification Process June 2021. Collection method: clinical testing. Allele origin: germline. Affected: yes.
Comment: Not observed at significant frequency in large population cohorts (gnomAD); In silico analysis supports a deleterious effect on splicing; Has not been previously published as pathogenic or benign to our knowledge.

Literature cited by the submitters: PubMed 17576681 (cited by Labcorp Genetics (formerly Invitae), Labcorp); PubMed 9536098 (cited by Labcorp Genetics (formerly Invitae), Labcorp).

NM_005585.5(SMAD6):c.817+4A>G

Gene: SMAD6 (SMAD family member 6; plus strand). Cytogenetic location: 15q22.31.
Variant type: single nucleotide variant.
Coding change: c.817+4A>G on transcript NM_005585.5 (MANE Select); 4 bases into the intron after coding-DNA position 817, A replaced by G.
Molecular consequence: intron variant.
Genome position (GRCh38, 1-based): chr15:66,704,079, A>G. VCF-style: chr15-66704079-A-G. GRCh37 (hg19) VCF-style: chr15-66996417-A-G.
Identifiers: ClinVar variation 2574399 (VCV002574399.4), dbSNP rs2545313394, ClinGen allele CA2580613865.